The following is an entry in ClinVar:

NM_002528.7(NTHL1):c.444_450del (p.Ala148_Arg149insTer)

Gene: NTHL1 (nth like DNA glycosylase 1; minus strand). Cytogenetic location: 16p13.3.
Variant type: Deletion.
Coding change: c.444_450del on transcript NM_002528.7 (MANE Select); coding-DNA positions 444 to 450, 7 bases deleted (GCGGGGC; older notation c.444_450delGCGGGGC).
Protein change: p.Ala148_Arg149insTer.
Molecular consequence: frameshift variant. On other transcripts: intron variant (1).
Genome position (GRCh38, 1-based): chr16:2,044,705-2,044,711, GCCCCGC deleted on the plus strand (GCGGGGC on the coding strand, the reverse complement: NTHL1 is on the minus strand); deleting any 7 consecutive bases within chr16:2,044,705-2,044,715 gives the same sequence; the c. name uses the placement nearest the transcript's 3' end. VCF-style (leftmost placement, unchanged base first): chr16-2044704-GGCCCCGC-G. GRCh37 (hg19) VCF-style: chr16-2094705-GGCCCCGC-G.
Other names: c.114_120del, p.Ala38_Arg39insTer (NM_001318194.2); c.355-985_355-979del (NM_001318193.2).
Identifiers: ClinVar variation 3408216 (VCV003408216.1).

ClinVar aggregate classification (germline): Pathogenic (1 of 4 stars; one submission).

Conditions:
Hereditary cancer-predisposing syndrome. Also called: Neoplastic Syndromes, Hereditary; Tumor predisposition; Hereditary Cancer Syndrome; Hereditary neoplastic syndrome. Identifiers: Orphanet 140162, MedGen C0027672, MeSH D009386, MONDO:0015356.

Submission:

Ambry Genetics
Classification: Pathogenic for Hereditary cancer-predisposing syndrome. Last evaluated: 2024-10-02. Review status: criteria provided, single submitter. Criteria: Ambry Variant Classification Scheme 2023. Collection method: clinical testing. Allele origin: germline.
Comment: The c.468_474delGCGGGGC pathogenic mutation, located in coding exon 3 of the NTHL1 gene, results from a deletion of 7 nucleotides at nucleotide positions 468 to 474, causing a translational frameshift with a predicted alternate stop codon (p.R157*). This variant is considered to be rare based on population cohorts in the Genome Aggregation Database (gnomAD). This alteration is expected to result in loss of function by premature protein truncation or nonsense-mediated mRNA decay. As such, this alteration is interpreted as a disease-causing mutation.